The following is an entry in ClinVar:

NM_001363118.2(SLC52A2):c.753A>G (p.Gln251=)

Gene: SLC52A2 (solute carrier family 52 member 2; plus strand). Cytogenetic location: 8q24.3.
Variant type: single nucleotide variant.
Coding change: c.753A>G on transcript NM_001363118.2 (MANE Select); coding-DNA position 753, A replaced by G.
Protein change: p.Gln251=; no amino-acid change (glutamine 251 retained).
Molecular consequence: synonymous variant. On other transcripts: non-coding transcript variant (1).
Genome position (GRCh38, 1-based): chr8:144,360,245, A>G. VCF-style: chr8-144360245-A-G. GRCh37 (hg19) VCF-style: chr8-145583905-A-G.
Other names: c.753A>G, p.Gln251= (NM_001253815.2, NM_001253816.2, NM_001363120.2 and 2 more transcripts); c.261A>G, p.Gln87= (NM_001363122.2); c.489A>G, p.Gln163= (NM_001410949.1).
Identifiers: ClinVar variation 2658982 (VCV002658982.24), dbSNP rs563006060, ClinGen allele CA463550083.

ClinVar aggregate classification (germline): Likely benign (1 of 4 stars; one submission).

Allele frequency attached by ClinVar (database versions not stated): gnomAD exomes below 0.00001.
gnomAD v4.1: 2 of 1,612,582 alleles (0.00012%); highest among the groups gnomAD compares: Non-Finnish European, 0.00017%; no homozygotes.

Submission:

CeGaT Center for Human Genetics Tuebingen
Classification: Likely benign. Last evaluated: 2022-06-01. Review status: criteria provided, single submitter. Criteria: CeGaT Center For Human Genetics Tuebingen Variant Classification Criteria Version 2. Collection method: clinical testing. Allele origin: germline. Affected: yes. Observed: 1 variant allele.
Comment: SLC52A2: PM2:Supporting, BP4, BP7